The following is an entry in ClinVar:

NM_000138.5(FBN1):c.2792G>C (p.Gly931Ala)

Gene: FBN1 (fibrillin 1; minus strand). Cytogenetic location: 15q21.1.
Variant type: single nucleotide variant.
Coding change: c.2792G>C on transcript NM_000138.5 (MANE Select); coding-DNA position 2792, G replaced by C.
Protein change: p.Gly931Ala; replaces glycine 931 with alanine.
Molecular consequence: missense variant.
Genome position (GRCh38, 1-based): chr15:48,492,523, C>G on the plus strand (G>C on the coding strand, the complement: FBN1 is on the minus strand). VCF-style: chr15-48492523-C-G. GRCh37 (hg19) VCF-style: chr15-48784720-C-G.
Other names: short protein forms G931A.
Identifiers: ClinVar variation 920774 (VCV000920774.6), dbSNP rs200078617, ClinGen allele CA269535811.

ClinVar aggregate classification (germline): Uncertain significance. Review status: criteria provided, multiple submitters, no conflicts (2 of 4 stars). 2 submissions from 2 submitters: Uncertain significance (2). Last evaluated 2024-03-06.

Conditions:
Marfan syndrome (MFS). Also called: Marfan syndrome, classic; Marfan syndrome type 1; Marfan's syndrome; FBN1-Related Marfan Syndrome; MARFAN SYNDROME, TYPE I. Identifiers: Orphanet 284963, Orphanet 558, MedGen C0024796, MONDO:0007947, OMIM 154700.
Familial thoracic aortic aneurysm and aortic dissection (TAAD). Also called: Thoracic aortic aneurysms and dissections. Identifiers: Orphanet 91387, MedGen C4707243, MONDO:0019625.

Allele frequency attached by ClinVar (database versions not stated): 1000 Genomes Project 30x 0.00016; gnomAD exomes below 0.00001; gnomAD 0.00001; 1000 Genomes Project 0.00020.
gnomAD v4.1: 1 of 1,612,056 alleles (0.000062%); highest among the groups gnomAD compares: East Asian, 0.0022%; no homozygotes.

Submissions (2):

Color Diagnostics, LLC DBA Color Health
Classification: Uncertain significance for Familial thoracic aortic aneurysm and aortic dissection. Last evaluated: 2024-03-06. Review status: criteria provided, single submitter. Criteria: ACMG Guidelines, 2015. Collection method: clinical testing. Allele origin: germline.
Comment: This missense variant replaces glycine with alanine at codon 931 of the FBN1 protein. Computational prediction suggests that this variant may have deleterious impact on protein structure and function (internally defined REVEL score threshold >= 0.7, PMID: 27666373). To our knowledge, functional studies have not been reported for this variant. This variant has not been reported in individuals affected with FBN1-related disorders in the literature. This variant has been identified in 1/251434 chromosomes in the general population by the Genome Aggregation Database (gnomAD). The available evidence is insufficient to determine the role of this variant in disease conclusively. Therefore, this variant is classified as a Variant of Uncertain Significance.

All of Us Research Program, National Institutes of Health
Classification: Uncertain significance for Marfan syndrome. Last evaluated: 2023-06-26. Review status: criteria provided, single submitter. Criteria: ACMG Guidelines, 2015. Collection method: clinical testing. Allele origin: germline. Inheritance: Autosomal dominant inheritance. Observed: 2 variant alleles, 2 heterozygotes.
Comment: This missense variant replaces glycine with alanine at codon 931 of the FBN1 protein. Computational prediction tool suggests that this variant may have deleterious impact on protein structure and function (internally defined REVEL score threshold >=0.7, PMID: 27666373). Splice site prediction tools suggest that this variant may not impact RNA splicing. To our knowledge, functional studies have not been performed for this variant. This variant has not been reported in individuals affected with cardiovascular disorders in the literature. This variant has been identified in 1/251434 chromosomes in the general population by the Genome Aggregation Database (gnomAD). The available evidence is insufficient to determine the role of this variant in disease conclusively. Therefore, this variant is classified as a Variant of Uncertain Significance.

This study involves interpretation of variants in research participants for the purpose of population health screening. Participant phenotype was not available at the time of variant classification. Additional details can be found in publication PMID: 35346344, PMCID: PMC8962531